The following is an entry in ClinVar:

NM_001267550.2(TTN):c.35893G>T (p.Glu11965Ter)

Gene: TTN (titin; minus strand). Cytogenetic location: 2q31.2.
Variant type: single nucleotide variant.
Coding change: c.35893G>T on transcript NM_001267550.2 (MANE Select); coding-DNA position 35893, G replaced by T.
Protein change: p.Glu11965Ter; replaces glutamic acid 11965 with a stop codon.
Molecular consequence: nonsense. On other transcripts: intron variant (5).
Genome position (GRCh38, 1-based): chr2:178,665,774, C>A on the plus strand (G>T on the coding strand, the complement: TTN is on the minus strand). VCF-style: chr2-178665774-C-A. GRCh37 (hg19) VCF-style: chr2-179530501-C-A.
Other names: c.13283-23457G>T (NM_003319.4); c.13859-23457G>T (NM_133437.4); c.13658-23457G>T (NM_133432.3); c.31484-2719G>T (NM_133378.4); c.34265-2719G>T (NM_001256850.1); short protein forms E11965*.
Identifiers: ClinVar variation 2946148 (VCV002946148.3), dbSNP rs2473091121, ClinGen allele CA349505662.

ClinVar aggregate classification (germline): Uncertain significance (1 of 4 stars; one submission).

Conditions:
Dilated cardiomyopathy 1G (CMD1G). Identifiers: Orphanet 154, MedGen C1858763, MONDO:0011400, OMIM 604145.
Autosomal recessive limb-girdle muscular dystrophy type 2J (LGMDR10). Also called: Limb-girdle muscular dystrophy, type 2J; MUSCULAR DYSTROPHY, LIMB-GIRDLE, AUTOSOMAL RECESSIVE 10. Identifiers: Orphanet 140922, MedGen C1837342, MONDO:0012127, OMIM 608807.

Submission:

Labcorp Genetics (formerly Invitae), Labcorp
Classification: Uncertain significance for Dilated cardiomyopathy 1G; Autosomal recessive limb-girdle muscular dystrophy type 2J. Last evaluated: 2023-11-16. Review status: criteria provided, single submitter. Criteria: Invitae Variant Classification Sherloc (09022015). Collection method: clinical testing. Allele origin: germline.
Comment: This sequence change creates a premature translational stop signal (p.Glu11965*) in the TTN gene. While this is not anticipated to result in nonsense mediated decay, it is expected to create a truncated TTN protein. This variant is not present in population databases (gnomAD no frequency). This variant has not been reported in the literature in individuals affected with TTN-related conditions. Algorithms developed to predict the effect of sequence changes on RNA splicing suggest that this variant may disrupt the consensus splice site. This variant is located in the I band of TTN (PMID: 25589632). Truncating variants in this region have been shown to be highly prevalent in the general population and unaffected individuals (PMID: 26701604, 22335739). However, truncating variants in this region have also been reported in individuals affected with autosomal recessive centronuclear myopathy (PMID: 23975875). In summary, the available evidence is currently insufficient to determine the role of this variant in disease. Therefore, it has been classified as a Variant of Uncertain Significance.

Literature cited by the submitters: PubMed 25589632; PubMed 26701604; PubMed 22335739; PubMed 23975875.